The following is an entry in ClinVar:

NM_032119.4(ADGRV1):c.11175T>C (p.Ala3725=)

Gene: ADGRV1 (adhesion G protein-coupled receptor V1; plus strand). Cytogenetic location: 5q14.3.
Variant type: single nucleotide variant.
Coding change: c.11175T>C on transcript NM_032119.4 (MANE Select); coding-DNA position 11175, T replaced by C.
Protein change: p.Ala3725=; no amino-acid change (alanine 3725 retained).
Molecular consequence: synonymous variant. On other transcripts: non-coding transcript variant (1).
Genome position (GRCh38, 1-based): chr5:90,753,627, T>C. VCF-style: chr5-90753627-T-C. GRCh37 (hg19) VCF-style: chr5-90049444-T-C.
Other names: c.11175T>C (NM_032119.3).
Identifiers: ClinVar variation 1664268 (VCV001664268.9), dbSNP rs1021559382, ClinGen allele CA122797993.

ClinVar aggregate classification (germline): Likely benign. Review status: criteria provided, multiple submitters, no conflicts (2 of 4 stars). 2 submissions from 2 submitters: Likely benign (2). Last evaluated 2026-08-01.

Conditions:
ADGRV1-related disorder. Also called: ADGRV1-related disorders; ADGRV1-related condition.

Allele frequency attached by ClinVar (database versions not stated): gnomAD 0.00001; gnomAD exomes 0.00001.
gnomAD v4.1: 5 of 1,612,986 alleles (0.00031%); highest among the groups gnomAD compares: Admixed American, 0.0083%; no homozygotes.

Submissions (2):

PreventionGenetics, part of Exact Sciences
Classification: Likely benign for ADGRV1-related condition. Last evaluated: 2026-08-01. Review status: criteria provided, single submitter. Criteria: ACMG Guidelines, 2015. Collection method: clinical testing. Allele origin: germline.
Comment: This variant is classified as likely benign based on ACMG/AMP sequence variant interpretation guidelines (Richards et al. 2015 PMID: 25741868, with internal and published modifications).

Labcorp Genetics (formerly Invitae), Labcorp
Classification: Likely benign. Last evaluated: 2024-02-22. Review status: criteria provided, single submitter. Criteria: Invitae Variant Classification Sherloc (09022015). Collection method: clinical testing. Allele origin: germline.